The following is an entry in ClinVar:

NM_006005.3(WFS1):c.641C>T (p.Ala214Val)

Gene: WFS1 (wolframin ER transmembrane glycoprotein; plus strand). Cytogenetic location: 4p16.1.
Variant type: single nucleotide variant.
Coding change: c.641C>T on transcript NM_006005.3 (MANE Select); coding-DNA position 641, C replaced by T.
Protein change: p.Ala214Val; replaces alanine 214 with valine.
Molecular consequence: missense variant.
Genome position (GRCh38, 1-based): chr4:6,291,926, C>T. VCF-style: chr4-6291926-C-T. GRCh37 (hg19) VCF-style: chr4-6293653-C-T.
Other names: c.641C>T, p.Ala214Val (NM_001145853.1); short protein forms A214V.
Identifiers: ClinVar variation 1496004 (VCV001496004.11), dbSNP rs750861249, ClinGen allele CA2838983.
Genomic context (GRCh38, chr4:6,291,926, plus strand): 5'-ACGAGGAGATAGTCAACTTGTCTGACTGTTAATCCACCCTGTCCCCTGCAGATGGAGGGG[C>T]GCAGCCAGGCCCCGTGCCCAAGTCCCTGCAGAAGCAGAGGCGCATGCTGGAGCGCCTGGT-3'
Protein context (NP_005996.2, residues 204-224): VGQVNEHDGG[Ala214Val]QPGPVPKSLQ

ClinVar aggregate classification (germline): Uncertain significance. Review status: criteria provided, multiple submitters, no conflicts (2 of 4 stars). 5 submissions from 5 submitters: Uncertain significance (5). Last evaluated 2025-10-29.

Conditions:
Inborn genetic diseases. Identifiers: MedGen C0950123, MeSH D030342.
Autosomal dominant nonsyndromic hearing loss 6 (LFSNHL). Also called: DEAFNESS, AUTOSOMAL DOMINANT 6; Autosomal dominant nonsyndromic deafness 6; DEAFNESS, AUTOSOMAL DOMINANT 14; DEAFNESS, AUTOSOMAL DOMINANT 38. Identifiers: Orphanet 90635, MedGen C1833021, MONDO:0010963, OMIM 600965.
Type 2 diabetes mellitus. Also called: Type II diabetes mellitus. Identifiers: MedGen C0011860, MeSH D003924, MONDO:0005148, OMIM 125853, HP:0005978.
Cataract 41 (CTRCT41). Also called: CATARACT 41, CONGENITAL NUCLEAR TYPE. Identifiers: Orphanet 91492, Orphanet 98991, Orphanet 98992, Orphanet 98995, MedGen C3805412, MONDO:0007287, OMIM 116400.
Wolfram-like syndrome. Also called: HEARING LOSS, PROGRESSIVE, WITH OPTIC ATROPHY AND/OR IMPAIRED GLUCOSE REGULATION. Identifiers: Orphanet 411590, MedGen C3280358, MONDO:0013673, OMIM 614296.
Wolfram syndrome 1 (WFS1). Identifiers: Orphanet 3463, MedGen C4551693, MONDO:0009101, OMIM 222300.

Allele frequency attached by ClinVar (database versions not stated): ExAC 0.00001; gnomAD 0.00001; gnomAD exomes 0.00001 and 0.00003.
gnomAD v4.1: 43 of 1,610,142 alleles (0.0027%); highest among the groups gnomAD compares: Admixed American, 0.032%; no homozygotes.

Submissions (5):

Labcorp Genetics (formerly Invitae), Labcorp
Classification: Uncertain significance. Last evaluated: 2025-10-29. Review status: criteria provided, single submitter. Criteria: Invitae Variant Classification Sherloc (09022015). Collection method: clinical testing. Allele origin: germline.
Comment: This sequence change replaces alanine, which is neutral and non-polar, with valine, which is neutral and non-polar, at codon 214 of the WFS1 protein (p.Ala214Val). This variant is present in population databases (rs750861249, gnomAD 0.006%). This variant has not been reported in the literature in individuals affected with WFS1-related conditions. ClinVar contains an entry for this variant (Variation ID: 1496004). Invitae Evidence Modeling of protein sequence and biophysical properties (such as structural, functional, and spatial information, amino acid conservation, physicochemical variation, residue mobility, and thermodynamic stability) indicates that this missense variant is not expected to disrupt WFS1 protein function with a negative predictive value of 95%. In summary, the available evidence is currently insufficient to determine the role of this variant in disease. Therefore, it has been classified as a Variant of Uncertain Significance.

GeneDx
Classification: Uncertain significance. Last evaluated: 2022-04-07. Review status: criteria provided, single submitter. Criteria: GeneDx Variant Classification Process June 2021. Collection method: clinical testing. Allele origin: germline. Affected: yes.
Comment: In silico analysis supports that this missense variant does not alter protein structure/function; Has not been previously published as pathogenic or benign to our knowledge

Fulgent Genetics
Classification: Uncertain significance for Cataract 41; Type 2 diabetes mellitus; Wolfram syndrome 1; Autosomal dominant nonsyndromic hearing loss 6; Wolfram-like syndrome. Last evaluated: 2022-03-18. Review status: criteria provided, single submitter. Criteria: ACMG Guidelines, 2015. Collection method: clinical testing. Allele origin: unknown.

Ambry Genetics
Classification: Uncertain significance for Inborn genetic diseases. Last evaluated: 2021-02-16. Review status: criteria provided, single submitter. Criteria: Ambry Variant Classification Scheme 2023. Collection method: clinical testing. Allele origin: germline.

Blueprint Genetics
Classification: Uncertain significance. Last evaluated: 2020-08-17. Review status: criteria provided, single submitter. Criteria: ACMG Guidelines, 2015. Collection method: clinical testing. Allele origin: germline.